The following is an entry in ClinVar:

ClinVar aggregate classification (germline): Uncertain significance (1 of 4 stars; one submission).

Conditions:
Inborn genetic diseases. Identifiers: MedGen C0950123, MeSH D030342.

gnomAD v4.1: 1 of 1,599,970 alleles (0.000063%); highest among the groups gnomAD compares: South Asian, 0.0011%; no homozygotes.

Submission:

Ambry Genetics
Classification: Uncertain significance for Inborn genetic diseases. Last evaluated: 2024-10-05. Review status: criteria provided, single submitter. Criteria: Ambry Variant Classification Scheme 2023. Collection method: clinical testing. Allele origin: germline.
Comment: The p.G762V variant (also known as c.2285G>T) is located in coding exon 18 of the BUB1B gene. The glycine at codon 762 is replaced by valine, an amino acid with dissimilar properties. This change occurs in the first base pair of coding exon 18. This amino acid position is conserved. In addition, this alteration is predicted to be tolerated by in silico analysis. Based on the available evidence, the clinical significance of this variant remains unclear.

NM_001211.6(BUB1B):c.2285G>T (p.Gly762Val)

Gene: BUB1B (BUB1 mitotic checkpoint serine/threonine kinase B; plus strand). Cytogenetic location: 15q15.1.
Variant type: single nucleotide variant.
Coding change: c.2285G>T on transcript NM_001211.6 (MANE Select); coding-DNA position 2285, G replaced by T.
Protein change: p.Gly762Val; replaces glycine 762 with valine.
Molecular consequence: missense variant.
Genome position (GRCh38, 1-based): chr15:40,210,110, G>T. VCF-style: chr15-40210110-G-T. GRCh37 (hg19) VCF-style: chr15-40502311-G-T.
Other names: short protein forms G762V.
Identifiers: ClinVar variation 3483117 (VCV003483117.1).